The following is an entry in ClinVar:

ClinVar aggregate classification (germline): Pathogenic (1 of 4 stars; one submission).

gnomAD v4.1: 6 of 1,595,052 alleles (0.00038%); highest among the groups gnomAD compares: Admixed American, 0.0017%; no homozygotes.

Submission:

Labcorp Genetics (formerly Invitae), Labcorp
Classification: Pathogenic. Last evaluated: 2024-02-01. Review status: criteria provided, single submitter. Criteria: Invitae Variant Classification Sherloc (09022015). Collection method: clinical testing. Allele origin: germline.
Comment: This sequence change creates a premature translational stop signal (p.Arg414*) in the SZT2 gene. It is expected to result in an absent or disrupted protein product. Loss-of-function variants in SZT2 are known to be pathogenic (PMID: 23932106, 27248490, 28556953). The frequency data for this variant in the population databases is considered unreliable, as metrics indicate poor data quality at this position in the gnomAD database. This variant has not been reported in the literature in individuals affected with SZT2-related conditions. For these reasons, this variant has been classified as Pathogenic.

Literature cited by the submitters: PubMed 23932106; PubMed 27248490; PubMed 28556953.

NM_001365999.1(SZT2):c.1240C>T (p.Arg414Ter)

Gene: SZT2 (SZT2 subunit of KICSTOR complex; plus strand). Cytogenetic location: 1p34.2.
Variant type: single nucleotide variant.
Coding change: c.1240C>T on transcript NM_001365999.1 (MANE Select); coding-DNA position 1240, C replaced by T.
Protein change: p.Arg414Ter; replaces arginine 414 with a stop codon.
Molecular consequence: nonsense.
Genome position (GRCh38, 1-based): chr1:43,420,302, C>T. VCF-style: chr1-43420302-C-T. GRCh37 (hg19) VCF-style: chr1-43885973-C-T.
Other names: c.1240C>T, p.Arg414Ter (NM_015284.4); short protein forms R414*.
Identifiers: ClinVar variation 3716429 (VCV003716429.2).
Genomic context (GRCh38, chr1:43,420,302, plus strand): 5'-GAGGTGCCAGCCGACTTGGTCAGCACTGTGTCCGTACGGCTTCGAGAGGGCTACAGTGTC[C>T]GAGAGGTCACACTGGCCAAAGGTAAGGGTCATTAGGCCCTGCTGTAATCCCATAGATCTC-3'